The following is an entry in ClinVar:

NM_001130987.2(DYSF):c.4765A>G (p.Lys1589Glu)

Gene: DYSF (dysferlin; plus strand). Cytogenetic location: 2p13.2.
Variant type: single nucleotide variant.
Coding change: c.4765A>G on transcript NM_001130987.2 (MANE Select); coding-DNA position 4765, A replaced by G.
Protein change: p.Lys1589Glu; replaces lysine 1589 with glutamic acid.
Molecular consequence: missense variant.
Genome position (GRCh38, 1-based): chr2:71,658,887, A>G. VCF-style: chr2-71658887-A-G. GRCh37 (hg19) VCF-style: chr2-71886017-A-G.
Other names: c.4651A>G, p.Lys1551Glu (NM_001130455.2); c.4606A>G, p.Lys1536Glu (NM_001130976.2); c.4669A>G, p.Lys1557Glu (NM_001130977.2); c.4711A>G, p.Lys1571Glu (NM_001130978.2); c.4741A>G, p.Lys1581Glu (NM_001130979.2); c.4699A>G, p.Lys1567Glu (NM_001130980.2); c.4762A>G, p.Lys1588Glu (NM_001130981.2); c.4744A>G, p.Lys1582Glu (NM_001130982.2); and 5 more; short protein forms K1536E, K1537E, K1550E, K1551E, K1557E, K1558E, K1567E, K1568E.
Identifiers: ClinVar variation 1018802 (VCV001018802.6), dbSNP rs2094826436, ClinGen allele CA347219609.
Genomic context (GRCh38, chr2:71,658,887, plus strand): 5'-CCATATCAACAATGATGATAAAAATGAAAATTAACCCTTCCTTCTTTTCAGGGCCTCTTC[A>G]AAATTTATCCCCTCCCAGAAGACCCAGCCATCCCCATGCCCCCAAGACAGTTCCACCAGC-3'
Protein context (NP_001124459.1, residues 1579-1599): SVIGEFKGLF[Lys1589Glu]IYPLPEDPAI

ClinVar aggregate classification (germline): Uncertain significance (1 of 4 stars; one submission).

Conditions:
Neuromuscular disease caused by qualitative or quantitative defects of dysferlin. Also called: Dysferlinopathy; Qualitative or quantitative defects of dysferlin. Identifiers: Orphanet 207073, MedGen C2931687, MONDO:0016145.

Allele frequency attached by ClinVar (database versions not stated): gnomAD exomes below 0.00001.
gnomAD v4.1: 1 of 1,614,176 alleles (0.000062%); highest among the groups gnomAD compares: South Asian, 0.0011%; no homozygotes.

Submission:

Labcorp Genetics (formerly Invitae), Labcorp
Classification: Uncertain significance for Neuromuscular disease caused by qualitative or quantitative defects of dysferlin. Last evaluated: 2020-02-12. Review status: criteria provided, single submitter. Criteria: Invitae Variant Classification Sherloc (09022015). Collection method: clinical testing. Allele origin: germline.
Comment: This variant is not present in population databases (ExAC no frequency). This sequence change replaces lysine with glutamic acid at codon 1550 of the DYSF protein (p.Lys1550Glu). The lysine residue is moderately conserved and there is a small physicochemical difference between lysine and glutamic acid. This variant has not been reported in the literature in individuals with DYSF-related conditions. In summary, the available evidence is currently insufficient to determine the role of this variant in disease. Therefore, it has been classified as a Variant of Uncertain Significance. Algorithms developed to predict the effect of missense changes on protein structure and function (SIFT, PolyPhen-2, Align-GVGD) all suggest that this variant is likely to be tolerated, but these predictions have not been confirmed by published functional studies and their clinical significance is uncertain.